The following is an entry in ClinVar:

NM_005896.4(IDH1):c.297A>G (p.Ile99Met)

Gene: IDH1 (isocitrate dehydrogenase (NADP(+)) 1; minus strand). Cytogenetic location: 2q34.
Variant type: single nucleotide variant.
Coding change: c.297A>G on transcript NM_005896.4 (MANE Select); coding-DNA position 297, A replaced by G.
Protein change: p.Ile99Met; replaces isoleucine 99 with methionine.
Molecular consequence: missense variant.
Genome position (GRCh38, 1-based): chr2:208,248,486, T>C on the plus strand (A>G on the coding strand, the complement: IDH1 is on the minus strand). VCF-style: chr2-208248486-T-C. GRCh37 (hg19) VCF-style: chr2-209113210-T-C.
Other names: c.297A>G, p.Ile99Met (NM_001282386.1, NM_001282387.1); short protein forms I99M.
Identifiers: ClinVar variation 4279964 (VCV004279964.1).

ClinVar aggregate classification (germline): Uncertain significance (1 of 4 stars; one submission).

Conditions:
Enchondromatosis. Also called: ENCHONDROMATOSIS, MULTIPLE, OLLIER TYPE; DYSCHONDROPLASIA; Ollier disease; Multiple cartilaginous enchondroses; Multiple enchondromatosis. Identifiers: Orphanet 296, MedGen C0014084, MONDO:0008145, OMIM 166000, HP:0005701.
Maffucci syndrome. Also called: MULTIPLE ENCHONDROMATOSIS, MAFFUCCI TYPE; Dyschondrodysplasia with Hemangiomas; Enchondromatosis with Multiple Cavernous Hemangiomas; Hemangiomatosis Chondrodystrophica; Multiple Angiomas and Endochondromas; Kast Syndrome. Identifiers: Orphanet 163634, MedGen C0024454, MONDO:0013808, OMIM 614569.

gnomAD v4.1: 16 of 1,614,212 alleles (0.00099%); highest among the groups gnomAD compares: East Asian, 0.036%; no homozygotes.

Submission:

Clinical Genomics Laboratory, Washington University in St. Louis
Classification: Uncertain significance for Enchondromatosis; Maffucci syndrome. Last evaluated: 2025-08-29. Review status: criteria provided, single submitter. Criteria: ACMG Guidelines, 2015. Collection method: clinical testing. Allele origin: germline.
Comment: An IDH1 c.297A>G (p.Ile99Met) variant was identified at a near heterozygous allelic fraction of 49.4%, a frequency which may be consistent with it being of germline origin. This variant, to our knowledge, has not been reported in literature in a germline state. This variant is only observed in 16/1,614,212 alleles the general population (gnomAD v.4.1.0), indicating it is not a common variant. Computational predictors indicate that the variant is damaging, evidence that correlates with impact to IDH1 function. Due to limited information, and based on ACMG/AMP guidelines for variant interpretation (Richards S et al., PMID: 25741868), the clinical significance of this variant is uncertain at this time.